The following is an entry in ClinVar:

NM_000092.5(COL4A4):c.4333+5A>C

Gene: COL4A4 (collagen type IV alpha 4 chain; minus strand). Cytogenetic location: 2q36.3.
Variant type: single nucleotide variant.
Coding change: c.4333+5A>C on transcript NM_000092.5 (MANE Select); 5 bases into the intron after coding-DNA position 4333, A replaced by C.
Molecular consequence: intron variant.
Genome position (GRCh38, 1-based): chr2:227,012,176, T>G on the plus strand (A>C on the coding strand, the complement: COL4A4 is on the minus strand). VCF-style: chr2-227012176-T-G. GRCh37 (hg19) VCF-style: chr2-227876892-T-G.
Identifiers: ClinVar variation 3376727 (VCV003376727.1).
Genomic context (GRCh38, chr2:227,012,176, plus strand): 5'-AGAGATTTTGTATACAACTCTAAGGTTTACAGTGTCAGAGAAAAGAGGAGTGACTGAAAC[T>G]CTACCTGGTCCTCCAGGGTAGCCGTCTTCTCCTGTGTCACCTTTACGTCCGGGAGGCCCA-3'

ClinVar aggregate classification (germline): Uncertain significance (1 of 4 stars; one submission).

Conditions:
Alport syndrome. Also called: Hemorrhagic familial nephritis; Hemorrhagic hereditary nephritis; Congenital hereditary hematuria. Identifiers: Orphanet 63, MedGen C1567741, MONDO:0018965.

gnomAD v4.1: 1 of 1,605,540 alleles (0.000062%); highest among the groups gnomAD compares: South Asian, 0.0011%; no homozygotes.

Submission:

Victorian Clinical Genetics Services, Murdoch Childrens Research Institute
Classification: Uncertain significance for Alport syndrome. Last evaluated: 2023-07-17. Review status: criteria provided, single submitter. Criteria: ACMG Guidelines, 2015. Collection method: clinical testing. Allele origin: germline. Affected: yes.
Comment: Based on the classification scheme VCGS_Germline_v1.3.4, this variant is classified as VUS-3C. Following criteria are met: 0103 - Loss of function is a known mechanism of disease for this gene and is associated with Alport syndrome. Dominant negative is a suspected mechanism of disease for this gene as it is a structural protein (PMIDs: 12028435, 24046192). (I) 0108 - This gene is associated with both recessive and dominant disease. Alport syndrome typically has biallelic inheritance, although rare cases of monoallelic inheritance have been reported (PMID: 28704582). Thin basement membrane nephropathy (TBMN) and focal segmental glomerulosclerosis (FSGS) are associated with autosomal dominant inheritance (OMIM, PMIDs: 16467446, 17942953). (I) 0212 - Non-canonical splice site variant without proven consequence on splicing (no functional evidence available). (SP) 0251 - This variant is heterozygous. (I) 0301 - Variant is absent from gnomAD (both v2 and v3). (SP) 0506 - Abnormal splicing is not predicted and nucleotide is poorly conserved. (SB) 0705 - No comparable splice variants have previous evidence for pathogenicity. However, another non-canonical variant (c.4333+3A>G) has been reported as a VUS (ClinVar), observed in a compound heterozygous individual with Alport syndrome (PMID: 34448697). (I) 0807 - This variant has no previous evidence of pathogenicity. (I) 0905 - No published segregation evidence has been identified for this variant. (I) 1007 - No published functional evidence has been identified for this variant. (I) 1208 - Inheritance information for this variant is not currently available in this individual. (I) Legend: (SP) - Supporting pathogenic, (I) - Information, (SB) - Supporting benign

Literature cited by the submitters: PubMed 12028435; PubMed 16467446; PubMed 17942953; PubMed 24046192; PubMed 28704582; PubMed 34448697.